The following is an entry in ClinVar:

ClinVar aggregate classification (germline): Likely benign. Review status: criteria provided, multiple submitters, no conflicts (2 of 4 stars). 8 submissions from 8 submitters: Likely benign (7). 1 of the submissions does not count toward it. Last evaluated 2026-02-01.

Conditions:
PEX13-related disorder. Also called: PEX13-related condition; PEX13-related disorders.
Peroxisome biogenesis disorder 11A (Zellweger). Also called: Peroxisome biogenesis disorder 11A. Identifiers: Orphanet 912, MedGen C3554000, MONDO:0013949, OMIM 614883.

Allele frequency attached by ClinVar (database versions not stated): 1000 Genomes Project 0.00100; 1000 Genomes Project 30x 0.00187; TOPMed 0.00288; ExAC 0.00322; gnomAD 0.00337 and 0.00345; gnomAD exomes 0.00337 and 0.00500.
gnomAD v4.1: 7,461 of 1,549,040 alleles (0.48%); highest among the groups gnomAD compares: Non-Finnish European, 0.56%; 28 homozygotes.

Submissions (8):

CeGaT Center for Human Genetics Tuebingen
Classification: Likely benign. Last evaluated: 2026-02-01. Review status: criteria provided, single submitter. Criteria: CeGaT Center For Human Genetics Tuebingen Variant Classification Criteria Version 2. Collection method: clinical testing. Allele origin: germline. Affected: yes. Observed: 12 variant alleles.
Comment: PEX13: BP4, BS2

Mayo Clinic Laboratories, Mayo Clinic
Classification: Likely benign. Last evaluated: 2025-11-15. Review status: criteria provided, single submitter. Criteria: ACMG Guidelines, 2015. Collection method: clinical testing. Allele origin: germline. Observed: 6 variant alleles.
Comment: BS1, BP4, BP7

Blueprint Genetics
Classification: Likely benign. Last evaluated: 2024-11-26. Review status: criteria provided, single submitter. Criteria: ACMG Guidelines, 2015. Collection method: clinical testing. Allele origin: germline.

GeneDx
Classification: Likely benign. Last evaluated: 2021-01-20. Review status: criteria provided, single submitter. Criteria: GeneDx Variant Classification Process June 2021. Collection method: clinical testing. Allele origin: germline. Affected: yes.

Illumina Laboratory Services, Illumina
Classification: Likely benign for Peroxisome biogenesis disorder 11A (Zellweger). Last evaluated: 2018-01-12. Review status: criteria provided, single submitter. Criteria: ICSL Variant Classification Criteria 13 December 2019. Collection method: clinical testing. Allele origin: germline.
Comment: This variant was observed in the ICSL laboratory as part of a predisposition screen in an ostensibly healthy population. It had not been previously curated by ICSL or reported in the Human Gene Mutation Database (HGMD: prior to June 1st, 2018), and was therefore a candidate for classification through an automated scoring system. Utilizing variant allele frequency, disease prevalence and penetrance estimates, and inheritance mode, an automated score was calculated to assess if this variant is too frequent to cause the disease. Based on the score and internal cut-off values, a variant classified as likely benign is not then subjected to further curation. The score for this variant resulted in a classification of likely benign for this disease.

Eurofins Ntd Llc (ga)
Classification: Likely benign. Last evaluated: 2015-05-14. Review status: criteria provided, single submitter. Criteria: EGL Classification Definitions 2015. Collection method: clinical testing. Allele origin: germline. Observed: 1 variant allele, 1 heterozygote.

Breakthrough Genomics
Classification: Likely benign. Review status: criteria provided, single submitter. Criteria: ACMG Guidelines, 2015. Collection method: not provided. Allele origin: germline. Inheritance: Autosomal recessive inheritance. Affected: yes.

PreventionGenetics, part of Exact Sciences
Classification: Benign for PEX13-related condition. Last evaluated: 2019-06-21. Review status: no assertion criteria provided. Collection method: clinical testing. Allele origin: germline. Not counted in ClinVar's aggregate classification.
Comment: This variant is classified as benign based on ACMG/AMP sequence variant interpretation guidelines (Richards et al. 2015 PMID: 25741868, with internal and published modifications).

NM_002618.4(PEX13):c.-6G>C

Genes: PEX13 (peroxisomal biogenesis factor 13; plus strand), PUS10 (pseudouridine synthase 10; minus strand). Cytogenetic location: 2p15.
Variant type: single nucleotide variant.
Coding change: c.-6G>C on transcript NM_002618.4 (MANE Select); 6 bases upstream of the start codon, G replaced by C.
Molecular consequence: 5 prime UTR variant. On other transcripts: intron variant (2).
Genome position (GRCh38, 1-based): chr2:61,017,754, G>C. VCF-style: chr2-61017754-G-C. GRCh37 (hg19) VCF-style: chr2-61244889-G-C.
Other names: c.-16+254C>G (NM_144709.4); c.-623+254C>G (NM_001322127.1).
Identifiers: ClinVar variation 193235 (VCV000193235.47), dbSNP rs147461642, ClinGen allele CA200426.